The following is an entry in ClinVar:

NM_015271.5(TRIM2):c.1444G>A (p.Ala482Thr)

Gene: TRIM2 (tripartite motif containing 2; plus strand). Cytogenetic location: 4q31.3.
Variant type: single nucleotide variant.
Coding change: c.1444G>A on transcript NM_015271.5 (MANE Select); coding-DNA position 1444, G replaced by A.
Protein change: p.Ala482Thr; replaces alanine 482 with threonine.
Molecular consequence: missense variant.
Genome position (GRCh38, 1-based): chr4:153,295,970, G>A. VCF-style: chr4-153295970-G-A. GRCh37 (hg19) VCF-style: chr4-154217122-G-A.
Other names: c.1537G>A, p.Ala513Thr (NM_001375488.1); c.1534G>A, p.Ala512Thr (NM_001375489.1); c.1387G>A, p.Ala463Thr (NM_001375490.1); c.1384G>A, p.Ala462Thr (NM_001375491.1); c.1363G>A, p.Ala455Thr (NM_001375512.1, NM_001375513.1, NM_001375514.1 and 5 more transcripts); c.1111G>A, p.Ala371Thr (NM_001375519.1); c.1108G>A, p.Ala370Thr (NM_001375520.1); c.1105G>A, p.Ala369Thr (NM_001375522.1, NM_001375523.1, NM_001375525.1); and 3 more; short protein forms A330T, A463T, A371T, A455T, A482T, A369T, A370T, A462T.
Identifiers: ClinVar variation 2909266 (VCV002909266.3), dbSNP rs777739975, ClinGen allele CA3108741.
Genomic context (GRCh38, chr4:153,295,970, plus strand): 5'-AAGAGGCGCGTTAAGTCCCCGGGGAGCGGCCACGTCAAGCAGAAAGCTGTGAAAAGACCC[G>A]CAAGCATGTACAGCACTGGAAAACGAAAAGAGAATCCCATCGAAGACGATTTGATCTTTC-3'
Protein context (NP_056086.2, residues 472-492): HVKQKAVKRP[Ala482Thr]SMYSTGKRKE

ClinVar aggregate classification (germline): Uncertain significance (1 of 4 stars; one submission).

Conditions:
Charcot-Marie-Tooth disease type 2R. Also called: CHARCOT-MARIE-TOOTH DISEASE, AXONAL, AUTOSOMAL RECESSIVE, TYPE 2R; CHARCOT-MARIE-TOOTH NEUROPATHY, TYPE 2R; Charcot-Marie-Tooth disease, axonal, type 2R. Identifiers: Orphanet 397968, MedGen C3809655, MONDO:0014208, OMIM 615490.

Submission:

Labcorp Genetics (formerly Invitae), Labcorp
Classification: Uncertain significance for Charcot-Marie-Tooth disease type 2R. Last evaluated: 2025-07-30. Review status: criteria provided, single submitter. Criteria: Invitae Variant Classification Sherloc (09022015). Collection method: clinical testing. Allele origin: germline.
Comment: This sequence change replaces alanine, which is neutral and non-polar, with threonine, which is neutral and polar, at codon 455 of the TRIM2 protein (p.Ala455Thr). This variant is present in population databases (rs777739975, gnomAD 0.002%). This variant has not been reported in the literature in individuals affected with TRIM2-related conditions. ClinVar contains an entry for this variant (Variation ID: 2909266). An algorithm developed to predict the effect of missense changes on protein structure and function (PolyPhen-2) suggests that this variant is likely to be tolerated. In summary, the available evidence is currently insufficient to determine the role of this variant in disease. Therefore, it has been classified as a Variant of Uncertain Significance.